The following is an entry in ClinVar:

NM_000466.3(PEX1):c.1587+1G>T

Gene: PEX1 (peroxisomal biogenesis factor 1; minus strand). Cytogenetic location: 7q21.2.
Variant type: single nucleotide variant.
Coding change: c.1587+1G>T on transcript NM_000466.3 (MANE Select); the canonical splice donor site of the intron after coding-DNA position 1587, G replaced by T.
Molecular consequence: splice donor variant.
Genome position (GRCh38, 1-based): chr7:92,510,943, C>A on the plus strand (G>T on the coding strand, the complement: PEX1 is on the minus strand). VCF-style: chr7-92510943-C-A. GRCh37 (hg19) VCF-style: chr7-92140257-C-A.
Other names: c.1587+1G>T (NM_001282677.2); c.963+1G>T (NM_001282678.2).
Identifiers: ClinVar variation 2962489 (VCV002962489.3), dbSNP rs1057517469, ClinGen allele CA368188668.
Genomic context (GRCh38, chr7:92,510,943, plus strand): 5'-TTTATTATCAATCATATGTAACAAATAGTATTTTATTAAATATTCAATAACATGCTATTA[C>A]TTGTATTGTAGTCTTCTGCAGCAAATTGGGACTCAACAGAAAAATATTTTTATCTTTTTC-3'

ClinVar aggregate classification (germline): Likely pathogenic (1 of 4 stars; one submission).

Conditions:
Zellweger spectrum disorders (ZS). Also called: Zellweger Spectrum Disorder; Zellweger Spectrum; Zellweger syndrome; Zellweger Spectrum Disorder (ZSD). Identifiers: Orphanet 912, MedGen C0043459, MONDO:0019609.

Submission:

Labcorp Genetics (formerly Invitae), Labcorp
Classification: Likely pathogenic for Zellweger spectrum disorders. Last evaluated: 2023-12-06. Review status: criteria provided, single submitter. Criteria: Invitae Variant Classification Sherloc (09022015). Collection method: clinical testing. Allele origin: germline.
Comment: This sequence change affects a donor splice site in intron 8 of the PEX1 gene. It is expected to disrupt RNA splicing. Variants that disrupt the donor or acceptor splice site typically lead to a loss of protein function (PMID: 16199547), and loss-of-function variants in PEX1 are known to be pathogenic (PMID: 21031596, 26387595, 31831025). This variant is not present in population databases (gnomAD no frequency). Disruption of this splice site has been observed in individual(s) with lissencephaly (PMID: 34974531). Algorithms developed to predict the effect of sequence changes on RNA splicing suggest that this variant may disrupt the consensus splice site. In summary, the currently available evidence indicates that the variant is pathogenic, but additional data are needed to prove that conclusively. Therefore, this variant has been classified as Likely Pathogenic.

Literature cited by the submitters: PubMed 16199547; PubMed 21031596; PubMed 26387595; PubMed 31831025; PubMed 34974531.